The following is an entry in ClinVar:

NM_001009944.3(PKD1):c.10992C>T (p.Val3664=)

Genes: PKD1 (polycystin 1, transient receptor potential channel interacting; minus strand), PKD1-AS1 (PKD1 antisense RNA 1; plus strand). Cytogenetic location: 16p13.3.
Variant type: single nucleotide variant.
Coding change: c.10992C>T on transcript NM_001009944.3 (MANE Select); coding-DNA position 10992, C replaced by T.
Protein change: p.Val3664=; no amino-acid change (valine 3664 retained).
Molecular consequence: synonymous variant.
Genome position (GRCh38, 1-based): chr16:2,093,568, G>A on the plus strand (C>T on the coding strand, the complement: PKD1 is on the minus strand). VCF-style: chr16-2093568-G-A. GRCh37 (hg19) VCF-style: chr16-2143569-G-A.
Other names: c.10989C>T, p.Val3663= (NM_000296.4).
Identifiers: ClinVar variation 4991213 (VCV004991213.1).

ClinVar aggregate classification (germline): Uncertain significance (1 of 4 stars; one submission).

Conditions:
PKD1-related disorder. Also called: PKD1-related condition.

Submission:

PreventionGenetics, part of Exact Sciences
Classification: Uncertain significance for PKD1-related condition. Last evaluated: 2025-09-05. Review status: criteria provided, single submitter. Criteria: ACMG Guidelines, 2015. Collection method: clinical testing. Allele origin: germline.
Comment: The PKD1 c.10992C>T variant is not predicted to result in an amino acid change (p.=). This variant is predicted to create a cryptic splice donor site (donor gain) based on available splicing prediction programs (SpliceAI, Jaganathan et al. 2019. PubMed ID: 30661751). However, the use of computer prediction programs is not equivalent to functional evidence. To our knowledge, this variant has not been reported in the literature or in a large population database (gnomAD), indicating this variant is rare. At this time, the clinical significance of this variant is uncertain due to the absence of conclusive functional and genetic evidence.